The following is an entry in ClinVar:

ClinVar aggregate classification (germline): Uncertain significance. Review status: criteria provided, multiple submitters, no conflicts (2 of 4 stars). 4 submissions from 4 submitters: Uncertain significance (4). Last evaluated 2026-06-20.

Conditions:
RAX2-related disorder. Also called: RAX2-related condition; RAX2-related disorders.

Allele frequency attached by ClinVar (database versions not stated): ExAC below 0.00001; gnomAD 0.00004; TOPMed 0.00006.

Submissions (4):

PreventionGenetics, part of Exact Sciences
Classification: Uncertain significance for RAX2-related condition. Last evaluated: 2026-06-20. Review status: criteria provided, single submitter. Criteria: ACMG Guidelines, 2015. Collection method: clinical testing. Allele origin: germline.
Comment: The RAX2 c.259C>T variant is predicted to result in the amino acid substitution p.Arg87Trp. To our knowledge, this variant has not been reported in the literature. An alternate nucleotide change impacting the same amino acid position (p.Arg87Gln) has been reported in the heterozygous state in an individual with age-related macular degeneration (Wang et al. 2004. PubMed ID: 15028672). The c.259C>T, p.Arg87Trp variant is reported in 0.047% of alleles in individuals of African descent in gnomAD. At this time, the clinical significance of this variant is uncertain due to the absence of conclusive functional and genetic evidence.

Labcorp Genetics (formerly Invitae), Labcorp
Classification: Uncertain significance. Last evaluated: 2025-11-05. Review status: criteria provided, single submitter. Criteria: Invitae Variant Classification Sherloc (09022015). Collection method: clinical testing. Allele origin: germline.
Comment: This sequence change replaces arginine, which is basic and polar, with tryptophan, which is neutral and slightly polar, at codon 87 of the RAX2 protein (p.Arg87Trp). The frequency data for this variant in the population databases is considered unreliable, as metrics indicate poor data quality at this position in the gnomAD database. This missense change has been observed in individuals with clinical features of inherited retinal dystrophy (internal data). ClinVar contains an entry for this variant (Variation ID: 951430). An algorithm developed to predict the effect of missense changes on protein structure and function (PolyPhen-2) suggests that this variant is likely to be disruptive. In summary, the available evidence is currently insufficient to determine the role of this variant in disease. Therefore, it has been classified as a Variant of Uncertain Significance.

Ambry Genetics
Classification: Uncertain significance. Last evaluated: 2024-11-28. Review status: criteria provided, single submitter. Criteria: Ambry Variant Classification Scheme 2023. Collection method: clinical testing. Allele origin: germline.

Blueprint Genetics
Classification: Uncertain significance. Last evaluated: 2021-12-23. Review status: criteria provided, single submitter. Criteria: ACMG Guidelines, 2015. Collection method: clinical testing. Allele origin: germline.

NM_001319074.4(RAX2):c.259C>T (p.Arg87Trp)

Gene: RAX2 (retina and anterior neural fold homeobox 2; minus strand). Cytogenetic location: 19p13.3.
Variant type: single nucleotide variant.
Coding change: c.259C>T on transcript NM_001319074.4 (MANE Select); coding-DNA position 259, C replaced by T.
Protein change: p.Arg87Trp; replaces arginine 87 with tryptophan.
Molecular consequence: missense variant.
Genome position (GRCh38, 1-based): chr19:3,770,917, G>A on the plus strand (C>T on the coding strand, the complement: RAX2 is on the minus strand). VCF-style: chr19-3770917-G-A. GRCh37 (hg19) VCF-style: chr19-3770915-G-A.
Other names: c.259C>T, p.Arg87Trp (NM_032753.4); short protein forms R87W.
Identifiers: ClinVar variation 951430 (VCV000951430.10), dbSNP rs752883776, ClinGen allele CA9085059.